The following is an entry in ClinVar:

ClinVar aggregate classification (germline): Uncertain significance (1 of 4 stars; one submission).

Submission:

Labcorp Genetics (formerly Invitae), Labcorp
Classification: Uncertain significance. Last evaluated: 2024-10-15. Review status: criteria provided, single submitter. Criteria: Invitae Variant Classification Sherloc (09022015). Collection method: clinical testing. Allele origin: germline.
Comment: This sequence change replaces glycine, which is neutral and non-polar, with valine, which is neutral and non-polar, at codon 622 of the PCLO protein (p.Gly622Val). This variant is not present in population databases (gnomAD no frequency). This variant has not been reported in the literature in individuals affected with PCLO-related conditions. ClinVar contains an entry for this variant (Variation ID: 1363737). Experimental studies and prediction algorithms are not available or were not evaluated, and the functional significance of this variant is currently unknown. In summary, the available evidence is currently insufficient to determine the role of this variant in disease. Therefore, it has been classified as a Variant of Uncertain Significance.

NM_033026.6(PCLO):c.1865G>T (p.Gly622Val)

Gene: PCLO (piccolo presynaptic cytomatrix protein; minus strand). Cytogenetic location: 7q21.11.
Variant type: single nucleotide variant.
Coding change: c.1865G>T on transcript NM_033026.6 (MANE Select); coding-DNA position 1865, G replaced by T.
Protein change: p.Gly622Val; replaces glycine 622 with valine.
Molecular consequence: missense variant.
Genome position (GRCh38, 1-based): chr7:83,154,776, C>A on the plus strand (G>T on the coding strand, the complement: PCLO is on the minus strand). VCF-style: chr7-83154776-C-A. GRCh37 (hg19) VCF-style: chr7-82784092-C-A.
Other names: c.1865G>T, p.Gly622Val (NM_014510.3); short protein forms G622V.
Identifiers: ClinVar variation 1363737 (VCV001363737.8), dbSNP rs2116684631, ClinGen allele CA367911898.